The following is an entry in ClinVar:

NM_130837.3(OPA1):c.539A>G (p.Lys180Arg)

Gene: OPA1 (OPA1 mitochondrial dynamin like GTPase; plus strand). Cytogenetic location: 3q29.
Variant type: single nucleotide variant.
Coding change: c.539A>G on transcript NM_130837.3 (MANE Select); coding-DNA position 539, A replaced by G.
Protein change: p.Lys180Arg; replaces lysine 180 with arginine.
Molecular consequence: missense variant. On other transcripts: intron variant (5).
Genome position (GRCh38, 1-based): chr3:193,617,268, A>G. VCF-style: chr3-193617268-A-G. GRCh37 (hg19) VCF-style: chr3-193335057-A-G.
Other names: c.167A>G, p.Lys56Arg (NM_001354664.2); c.539A>G, p.Lys180Arg (NM_015560.3, NM_130834.3, NM_130836.3); c.76+1498A>G (NM_001354663.2); c.449-516A>G (NM_130835.3, NM_130832.3); c.448+1498A>G (NM_130833.3, NM_130831.3); short protein forms K180R, K56R.
Identifiers: ClinVar variation 2700937 (VCV002700937.3), dbSNP rs780451120, ClinGen allele CA2759036.

ClinVar aggregate classification (germline): Uncertain significance (1 of 4 stars; one submission).

Allele frequency attached by ClinVar (database versions not stated): ExAC 0.00001.

Submission:

Labcorp Genetics (formerly Invitae), Labcorp
Classification: Uncertain significance. Last evaluated: 2023-12-04. Review status: criteria provided, single submitter. Criteria: Invitae Variant Classification Sherloc (09022015). Collection method: clinical testing. Allele origin: germline.
Comment: This sequence change replaces lysine, which is basic and polar, with arginine, which is basic and polar, at codon 180 of the OPA1 protein (p.Lys180Arg). This variant is present in population databases (rs780451120, gnomAD 0.006%). This variant has not been reported in the literature in individuals affected with OPA1-related conditions. Advanced modeling of protein sequence and biophysical properties (such as structural, functional, and spatial information, amino acid conservation, physicochemical variation, residue mobility, and thermodynamic stability) performed at Invitae indicates that this missense variant is not expected to disrupt OPA1 protein function with a negative predictive value of 95%. In summary, the available evidence is currently insufficient to determine the role of this variant in disease. Therefore, it has been classified as a Variant of Uncertain Significance.